The following is an entry in ClinVar:

NM_002230.4(JUP):c.1924+1G>A

Gene: JUP (junction plakoglobin; minus strand). Cytogenetic location: 17q21.2.
Variant type: single nucleotide variant.
Coding change: c.1924+1G>A on transcript NM_002230.4 (MANE Select); the canonical splice donor site of the intron after coding-DNA position 1924, G replaced by A.
Molecular consequence: splice donor variant.
Genome position (GRCh38, 1-based): chr17:41,757,633, C>T on the plus strand (G>A on the coding strand, the complement: JUP is on the minus strand). VCF-style: chr17-41757633-C-T. GRCh37 (hg19) VCF-style: chr17-39913885-C-T.
Other names: c.1924+1G>A (NM_001352774.2, NM_021991.4, NM_001352776.2 and 3 more transcripts).
Identifiers: ClinVar variation 641014 (VCV000641014.12), dbSNP rs1597781765, ClinGen allele CA399492068.

ClinVar aggregate classification (germline): Conflicting classifications of pathogenicity. Review status: criteria provided, conflicting classifications (1 of 4 stars). 2 submissions from 2 submitters: Likely pathogenic (1); Uncertain significance (1). Last evaluated 2026-05-19.

Conditions:
Cardiovascular phenotype. Identifiers: MedGen CN230736.
Naxos disease (NXD). Also called: KERATOSIS PALMOPLANTARIS WITH ARRHYTHMOGENIC CARDIOMYOPATHY; MAL DE NAXOS; PALMOPLANTAR KERATODERMA WITH ARRHYTHMOGENIC RIGHT VENTRICULAR CARDIOMYOPATHY AND WOOLLY HAIR; WOOLLY HAIR, PALMOPLANTAR KERATODERMA, AND CARDIAC ABNORMALITIES; CARDIOMYOPATHY, ARRHYTHMOGENIC RIGHT VENTRICULAR, WITH SKIN, HAIR, AND NAIL ABNORMALITIES. Identifiers: Orphanet 34217, MedGen C1832600, MONDO:0011017, OMIM 601214.
Arrhythmogenic right ventricular dysplasia 12. Also called: ARRHYTHMOGENIC RIGHT VENTRICULAR DYSPLASIA, FAMILIAL, 12. Identifiers: MedGen C1969081, MONDO:0012684, OMIM 611528.

Submissions (2):

Ambry Genetics
Classification: Uncertain significance for Cardiovascular phenotype. Last evaluated: 2026-05-19. Review status: criteria provided, single submitter. Criteria: Ambry Variant Classification Scheme 2023. Collection method: clinical testing. Allele origin: germline.
Comment: The c.1924+1G>A intronic variant results from a G to A substitution one nucleotide after coding exon 10 of the JUP gene. This nucleotide position is highly conserved in available vertebrate species. In silico splice site analysis predicts that this alteration will weaken the native splice donor site. This variant occurs at the 3' terminus of the gene, is not expected to trigger nonsense-mediated mRNA decay, and impacts the last 20% of the protein. The exact functional effect of this variant is unknown. In addition, loss of function of JUP has not been established as a mechanism of disease for autosomal dominant arrhythmogenic right ventricular cardiomyopathy. Based on the available evidence, the clinical significance of this variant remains unclear.

Labcorp Genetics (formerly Invitae), Labcorp
Classification: Likely pathogenic for Arrhythmogenic right ventricular dysplasia 12; Naxos disease. Last evaluated: 2023-05-31. Review status: criteria provided, single submitter. Criteria: Invitae Variant Classification Sherloc (09022015). Collection method: clinical testing. Allele origin: germline.
Comment: Algorithms developed to predict the effect of sequence changes on RNA splicing suggest that this variant may disrupt the consensus splice site. In summary, the currently available evidence indicates that the variant is pathogenic, but additional data are needed to prove that conclusively. Therefore, this variant has been classified as Likely Pathogenic. ClinVar contains an entry for this variant (Variation ID: 641014). This variant has not been reported in the literature in individuals affected with JUP-related conditions. This variant is not present in population databases (gnomAD no frequency). This sequence change affects a donor splice site in intron 11 of the JUP gene. It is expected to disrupt RNA splicing. Variants that disrupt the donor or acceptor splice site typically lead to a loss of protein function (PMID: 16199547), and loss-of-function variants in JUP are known to be pathogenic (PMID: 10902626).

Literature cited by the submitters: PubMed 16199547 (cited by Labcorp Genetics (formerly Invitae), Labcorp); PubMed 10902626 (cited by Labcorp Genetics (formerly Invitae), Labcorp).